The following is an entry in ClinVar:

NM_001256317.3(TMPRSS3):c.432del (p.Gln144fs)

Gene: TMPRSS3 (transmembrane serine protease 3; minus strand). Cytogenetic location: 21q22.3.
Variant type: Deletion.
Coding change: c.432del on transcript NM_001256317.3 (MANE Select); coding-DNA position 432, one base deleted (A; older notation c.432delA).
Protein change: p.Gln144fs; shifts the reading frame from glutamine 144.
Molecular consequence: frameshift variant.
Genome position (GRCh38, 1-based): chr21:42,388,417, T deleted on the plus strand (A on the coding strand, the reverse complement: TMPRSS3 is on the minus strand); the first of 2 consecutive T bases (chr21:42,388,417-42,388,418); deleting either gives the same sequence. VCF-style (leftmost placement, unchanged base first): chr21-42388416-GT-G. GRCh37 (hg19) VCF-style: chr21-43808525-GT-G.
Other names: c.432del (NM_024022.3); c.432del, p.Gln144fs (NM_024022.4, NM_032405.2); c.51del, p.Gln17fs (NM_032404.3); short protein forms Q144fs, Q17fs.
Identifiers: ClinVar variation 2057266 (VCV002057266.7), dbSNP rs780609668, ClinGen allele CA10042635.
Genomic context (GRCh38, chr21:42,388,416, plus strand): 5'-ATCCTCTCTGTGTTTTGCCCATGGGTTGGAAATGCTCTTTAACTTACCTTGGGAAACCCA[GT>G]TGGGCACAGGCAACATTTGCGTAGTGACCCTTCCAGTCATCGGAGCACATGGTCTTCCAC-3'

ClinVar aggregate classification (germline): Pathogenic. Review status: criteria provided, multiple submitters, no conflicts (2 of 4 stars). 3 submissions from 3 submitters: Pathogenic (3). Last evaluated 2025-12-21.

Conditions:
Autosomal recessive nonsyndromic hearing loss 8 (DFNB8). Also called: Deafness, autosomal recessive 10; NEUROSENSORY NONSYNDROMIC RECESSIVE DEAFNESS 8. Identifiers: Orphanet 90636, MedGen C1832827, MONDO:0010987, OMIM 601072.

Submissions (3):

Labcorp Genetics (formerly Invitae), Labcorp
Classification: Pathogenic. Last evaluated: 2025-12-21. Review status: criteria provided, single submitter. Criteria: Invitae Variant Classification Sherloc (09022015). Collection method: clinical testing. Allele origin: germline.
Comment: This sequence change creates a premature translational stop signal (p.Gln144Hisfs*8) in the TMPRSS3 gene. It is expected to result in an absent or disrupted protein product. Loss-of-function variants in TMPRSS3 are known to be pathogenic (PMID: 16021470, 26969326). This variant is present in population databases (rs780609668, gnomAD 0.05%). This premature translational stop signal has been observed in individual(s) with deafness (PMID: 31379920). ClinVar contains an entry for this variant (Variation ID: 2057266). For these reasons, this variant has been classified as Pathogenic.

Fulgent Genetics
Classification: Pathogenic for Autosomal recessive nonsyndromic hearing loss 8. Last evaluated: 2024-06-18. Review status: criteria provided, single submitter. Criteria: ACMG Guidelines, 2015. Collection method: clinical testing. Allele origin: germline.

Juno Genomics, Hangzhou Juno Genomics, Inc
Classification: Pathogenic for Autosomal recessive nonsyndromic hearing loss 8. Review status: criteria provided, single submitter. Criteria: ACMG Guidelines, 2015. Collection method: clinical testing. Allele origin: germline. Affected: yes.
Comment: Absent from controls (or at extremely low frequency if recessive) in Genome Aggregation Database, Exome Sequencing Project, 1000 Genomes Project, or Exome Aggregation Consortium.;Null variant in a gene where loss of function (LOF) is a known mechanism of disease.;For recessive disorders, detected in trans with a pathogenic variant.

Literature cited by the submitters: PubMed 16021470 (cited by Labcorp Genetics (formerly Invitae), Labcorp); PubMed 26969326 (cited by Labcorp Genetics (formerly Invitae), Labcorp); PubMed 31379920 (cited by Labcorp Genetics (formerly Invitae), Labcorp).